The following is an entry in ClinVar:

NM_003098.3(SNTA1):c.923G>A (p.Gly308Asp)

Gene: SNTA1 (syntrophin alpha 1; minus strand). Cytogenetic location: 20q11.21.
Variant type: single nucleotide variant.
Coding change: c.923G>A on transcript NM_003098.3 (MANE Select); coding-DNA position 923, G replaced by A.
Protein change: p.Gly308Asp; replaces glycine 308 with aspartic acid.
Molecular consequence: missense variant.
Genome position (GRCh38, 1-based): chr20:33,412,413, C>T on the plus strand (G>A on the coding strand, the complement: SNTA1 is on the minus strand). VCF-style: chr20-33412413-C-T. GRCh37 (hg19) VCF-style: chr20-32000219-C-T.
Other names: short protein forms G308D.
Identifiers: ClinVar variation 2141574 (VCV002141574.5), dbSNP rs758491082, ClinGen allele CA9817094.
Genomic context (GRCh38, chr20:33,412,413, plus strand): 5'-GGGAGAGACAAGTAGAGGAGCAGTTCCTTTTCAGTTAGCAGGGCCAGGGTGGGGGCTGTG[C>T]CCCCACTGGGCAGCTGCAGAGAACAAAACAGCAGTGAGGATGGGTGGGGGAAGAGAGGGC-3'
Protein context (NP_003089.1, residues 298-318): GWLTEQLPSG[Gly308Asp]TAPTLALLTE

ClinVar aggregate classification (germline): Uncertain significance. Review status: criteria provided, multiple submitters, no conflicts (2 of 4 stars). 2 submissions from 2 submitters: Uncertain significance (2). Last evaluated 2024-12-20.

Conditions:
Cardiovascular phenotype. Identifiers: MedGen CN230736.
Long QT syndrome (LQTS). Identifiers: MedGen C0023976, MeSH D008133, MONDO:0002442. Disease mechanism: loss of function. Inheritance: Various modes of inheritance.

Allele frequency attached by ClinVar (database versions not stated): gnomAD exomes below 0.00001; ExAC 0.00001.
gnomAD v4.1: 6 of 1,610,712 alleles (0.00037%); highest among the groups gnomAD compares: Non-Finnish European, 0.00042%; no homozygotes.

Submissions (2):

Ambry Genetics
Classification: Uncertain significance for Cardiovascular phenotype. Last evaluated: 2024-12-20. Review status: criteria provided, single submitter. Criteria: Ambry Variant Classification Scheme 2023. Collection method: clinical testing. Allele origin: germline.
Comment: The p.G308D variant (also known as c.923G>A), located in coding exon 5 of the SNTA1 gene, results from a G to A substitution at nucleotide position 923. The glycine at codon 308 is replaced by aspartic acid, an amino acid with similar properties. This amino acid position is conserved. In addition, this alteration is predicted to be tolerated by in silico analysis. Based on the available evidence, the clinical significance of this variant remains unclear.

Labcorp Genetics (formerly Invitae), Labcorp
Classification: Uncertain significance for Long QT syndrome. Last evaluated: 2022-03-12. Review status: criteria provided, single submitter. Criteria: Invitae Variant Classification Sherloc (09022015). Collection method: clinical testing. Allele origin: germline.
Comment: In summary, the available evidence is currently insufficient to determine the role of this variant in disease. Therefore, it has been classified as a Variant of Uncertain Significance. Algorithms developed to predict the effect of missense changes on protein structure and function are either unavailable or do not agree on the potential impact of this missense change (SIFT: "Deleterious"; PolyPhen-2: "Benign"; Align-GVGD: "Class C0"). This variant has not been reported in the literature in individuals affected with SNTA1-related conditions. The frequency data for this variant in the population databases is considered unreliable, as metrics indicate poor data quality at this position in the gnomAD database. This sequence change replaces glycine, which is neutral and non-polar, with aspartic acid, which is acidic and polar, at codon 308 of the SNTA1 protein (p.Gly308Asp).